The following is an entry in ClinVar:

ClinVar aggregate classification (germline): Likely benign. Review status: criteria provided, multiple submitters, no conflicts (2 of 4 stars). 3 submissions from 3 submitters: Likely benign (3). Last evaluated 2025-07-24.

Conditions:
DICER1-related disorder. Also called: DICER1-related condition.
DICER1-related tumor predisposition. Also called: DICER1 syndrome; DICER1-related pleuropulmonary blastoma cancer predisposition syndrome. Identifiers: Orphanet 284343, MedGen C3839822, MONDO:0100216.
Hereditary cancer-predisposing syndrome. Also called: Tumor predisposition; Hereditary neoplastic syndrome; Neoplastic Syndromes, Hereditary; Hereditary Cancer Syndrome. Identifiers: Orphanet 140162, MedGen C0027672, MeSH D009386, MONDO:0015356.

Submissions (3):

PreventionGenetics, part of Exact Sciences
Classification: Likely benign for DICER1-related condition. Last evaluated: 2025-07-24. Review status: criteria provided, single submitter. Criteria: ACMG Guidelines, 2015. Collection method: clinical testing. Allele origin: germline.
Comment: This variant is classified as likely benign based on ACMG/AMP sequence variant interpretation guidelines (Richards et al. 2015 PMID: 25741868, with internal and published modifications).

Ambry Genetics
Classification: Likely benign for Hereditary cancer-predisposing syndrome. Last evaluated: 2023-02-09. Review status: criteria provided, single submitter. Criteria: Ambry Variant Classification Scheme 2023. Collection method: clinical testing. Allele origin: germline.

Labcorp Genetics (formerly Invitae), Labcorp
Classification: Likely benign for DICER1-related tumor predisposition. Last evaluated: 2022-07-11. Review status: criteria provided, single submitter. Criteria: Invitae Variant Classification Sherloc (09022015). Collection method: clinical testing. Allele origin: germline.

NM_177438.3(DICER1):c.576C>T (p.Leu192=)

Gene: DICER1 (dicer 1, ribonuclease III; minus strand). Cytogenetic location: 14q32.13.
Variant type: single nucleotide variant.
Coding change: c.576C>T on transcript NM_177438.3 (MANE Select); coding-DNA position 576, C replaced by T.
Protein change: p.Leu192=; no amino-acid change (leucine 192 retained).
Molecular consequence: synonymous variant.
Genome position (GRCh38, 1-based): chr14:95,129,630, G>A on the plus strand (C>T on the coding strand, the complement: DICER1 is on the minus strand). VCF-style: chr14-95129630-G-A. GRCh37 (hg19) VCF-style: chr14-95595967-G-A.
Other names: c.576C>T, p.Leu192= (NM_001195573.1, NM_001271282.3, NM_001291628.2 and 1 more transcripts).
Identifiers: ClinVar variation 543675 (VCV000543675.12), dbSNP rs1555375845, ClinGen allele CA487633878.